The following is an entry in ClinVar:

NM_012141.3(INTS6):c.682C>G (p.Gln228Glu)

Gene: INTS6 (integrator complex subunit 6; minus strand). Cytogenetic location: 13q14.3.
Variant type: single nucleotide variant.
Coding change: c.682C>G on transcript NM_012141.3 (MANE Select); coding-DNA position 682, C replaced by G.
Protein change: p.Gln228Glu; replaces glutamine 228 with glutamic acid.
Molecular consequence: missense variant.
Genome position (GRCh38, 1-based): chr13:51,389,376, G>C on the plus strand (C>G on the coding strand, the complement: INTS6 is on the minus strand). VCF-style: chr13-51389376-G-C. GRCh37 (hg19) VCF-style: chr13-51963512-G-C.
Other names: c.643C>G, p.Gln215Glu (NM_001039937.2); c.148C>G, p.Gln50Glu (NM_001306091.2); short protein forms Q215E, Q228E, Q50E.
Identifiers: ClinVar variation 3773689 (VCV003773689.2).

ClinVar aggregate classification (germline): Likely pathogenic (1 of 4 stars; one submission).

Conditions:
INTS6-associated neurodevelopmental disorder.

Submission:

Institute of Human Genetics, University of Leipzig Medical Center
Classification: Likely pathogenic for INTS6-associated neurodevelopmental disorder. Last evaluated: 2025-03-04. Review status: criteria provided, single submitter. Criteria: ACMG Guidelines, 2015. Collection method: clinical testing. Allele origin: de novo. Inheritance: Autosomal dominant inheritance. Affected: yes.
Comment: Criteria applied: PS2_MOD,PM2,PP2,PP3